The following is an entry in ClinVar:

ClinVar aggregate classification (germline): Uncertain significance (1 of 4 stars; one submission).

Submission:

GeneDx
Classification: Uncertain significance. Last evaluated: 2024-04-30. Review status: criteria provided, single submitter. Criteria: GeneDx Variant Classification Process June 2021. Collection method: clinical testing. Allele origin: germline. Affected: yes.
Comment: Not observed in large population cohorts (gnomAD); In silico analysis supports that this missense variant has a deleterious effect on protein structure/function; Has not been previously published as pathogenic or benign to our knowledge; This variant is associated with the following publications: (PMID: 27535533)

NM_052876.4(NACC1):c.1390T>G (p.Cys464Gly)

Gene: NACC1 (nucleus accumbens associated 1; plus strand). Cytogenetic location: 19p13.13.
Variant type: single nucleotide variant.
Coding change: c.1390T>G on transcript NM_052876.4 (MANE Select); coding-DNA position 1390, T replaced by G.
Protein change: p.Cys464Gly; replaces cysteine 464 with glycine.
Molecular consequence: missense variant.
Genome position (GRCh38, 1-based): chr19:13,138,212, T>G. VCF-style: chr19-13138212-T-G. GRCh37 (hg19) VCF-style: chr19-13249026-T-G.
Other names: short protein forms C464G.
Identifiers: ClinVar variation 3253176 (VCV003253176.1), dbSNP rs2513139502.